The following is an entry in ClinVar:

ClinVar aggregate classification (germline): Uncertain significance (1 of 4 stars; one submission).

Submission:

GeneDx
Classification: Uncertain significance. Last evaluated: 2022-05-11. Review status: criteria provided, single submitter. Criteria: GeneDx Variant Classification Process June 2021. Collection method: clinical testing. Allele origin: germline. Affected: yes.
Comment: Has not been previously published as pathogenic or benign to our knowledge; Not observed at significant frequency in large population cohorts (gnomAD); In silico analysis supports that this missense variant has a deleterious effect on protein structure/function

NM_001854.4(COL11A1):c.4324C>T (p.Leu1442Phe)

Gene: COL11A1 (collagen type XI alpha 1 chain; minus strand). Cytogenetic location: 1p21.1.
Variant type: single nucleotide variant.
Coding change: c.4324C>T on transcript NM_001854.4 (MANE Select); coding-DNA position 4324, C replaced by T.
Protein change: p.Leu1442Phe; replaces leucine 1442 with phenylalanine.
Molecular consequence: missense variant. On other transcripts: non-coding transcript variant (1).
Genome position (GRCh38, 1-based): chr1:102,890,483, G>A on the plus strand (C>T on the coding strand, the complement: COL11A1 is on the minus strand). VCF-style: chr1-102890483-G-A. GRCh37 (hg19) VCF-style: chr1-103356039-G-A.
Other names: c.3976C>T, p.Leu1326Phe (NM_001168249.1, NM_080630.4); c.4207C>T, p.Leu1403Phe (NM_001190709.2); c.4360C>T, p.Leu1454Phe (NM_080629.3); short protein forms L1326F, L1403F, L1442F, L1454F.
Identifiers: ClinVar variation 1723834 (VCV001723834.2), dbSNP rs2524263598, ClinGen allele CA341212880.